The following is an entry in ClinVar:

ClinVar aggregate classification (germline): Likely benign (1 of 4 stars; one submission).

Conditions:
POMGNT1-related disorder. Also called: POMGNT1-related condition; POMGNT1-related disorders. Identifiers: MedGen CN239299.

Submission:

PreventionGenetics, part of Exact Sciences
Classification: Likely benign for POMGNT1-related condition. Last evaluated: 2026-05-18. Review status: criteria provided, single submitter. Criteria: ACMG Guidelines, 2015. Collection method: clinical testing. Allele origin: germline.
Comment: This variant is classified as likely benign based on ACMG/AMP sequence variant interpretation guidelines (Richards et al. 2015 PMID: 25741868, with internal and published modifications).

NM_001243766.2(POMGNT1):c.-50-670_-50-669insCTG

Genes: POMGNT1 (protein O-linked mannose N-acetylglucosaminyltransferase 1 (beta 1,2-); minus strand), LOC129930471 (ATAC-STARR-seq lymphoblastoid silent region 837; plus strand). Cytogenetic location: 1p34.1.
Variant type: Insertion.
Coding change: c.-50-670_-50-669insCTG on transcript NM_001243766.2; 670 bases into the intron before 50 bases upstream of the start codon through 669 bases into the intron before 50 bases upstream of the start codon, CTG inserted.
Molecular consequence: intron variant.
Genome position: GRCh38 VCF-style: chr1-46198540-G-GGCA. GRCh37 (hg19) VCF-style: chr1-46664212-G-GGCA.
Identifiers: ClinVar variation 4989793 (VCV004989793.1).